The following is an entry in ClinVar:

NC_000004.11:g.(?_84393365)_(84393451_?)dup

Gene: ABRAXAS1 (abraxas 1, BRCA1 A complex subunit; minus strand). Cytogenetic location: 4q21.23.
Variant type: Duplication.
Identifiers: ClinVar variation 645360 (VCV000645360.5).

ClinVar aggregate classification (germline): Uncertain significance (1 of 4 stars; one submission).

Submission:

Labcorp Genetics (formerly Invitae), Labcorp
Classification: Uncertain significance. Last evaluated: 2019-11-16. Review status: criteria provided, single submitter. Criteria: Invitae Variant Classification Sherloc (09022015). Collection method: clinical testing. Allele origin: germline.
Comment: The current clinical and genetic evidence is not sufficient to establish whether loss-of-function variants in FAM175A cause disease. In summary, the available evidence is currently insufficient to determine the role of this variant in disease. Therefore, it has been classified as a Variant of Uncertain Significance. A copy number gain of exon 4 has not been reported in the literature in individuals with FAM175A-related disease. This variant results in a copy number gain of the genomic region encompassing exon 4 of the FAM175A gene. While the exact position of this variant cannot be determined from this data, sub-genic copy number gains are generally in tandem (PMID: 25640679) and may result in an absent or disrupted protein product.

Literature cited by the submitters: PubMed 25640679.